The following is an entry in ClinVar:

NM_021625.5(TRPV4):c.2167G>A (p.Gly723Ser)

Gene: TRPV4 (transient receptor potential cation channel subfamily V member 4; minus strand). Cytogenetic location: 12q24.11.
Variant type: single nucleotide variant.
Coding change: c.2167G>A on transcript NM_021625.5 (MANE Select); coding-DNA position 2167, G replaced by A.
Protein change: p.Gly723Ser; replaces glycine 723 with serine.
Molecular consequence: missense variant.
Genome position (GRCh38, 1-based): chr12:109,788,441, C>T on the plus strand (G>A on the coding strand, the complement: TRPV4 is on the minus strand). VCF-style: chr12-109788441-C-T. GRCh37 (hg19) VCF-style: chr12-110226246-C-T.
Other names: c.2026G>A, p.Gly676Ser (NM_001177428.2); c.2065G>A, p.Gly689Ser (NM_001177431.2); c.1846G>A, p.Gly616Ser (NM_001177433.2); c.1987G>A, p.Gly663Ser (NM_147204.3); short protein forms G663S, G689S, G723S, G616S, G676S.
Identifiers: ClinVar variation 955688 (VCV000955688.9), dbSNP rs1889833666, ClinGen allele CA386649944.

ClinVar aggregate classification (germline): Uncertain significance (1 of 4 stars; one submission).

Conditions:
Charcot-Marie-Tooth disease axonal type 2C (HMSN2C). Also called: CHARCOT-MARIE-TOOTH DISEASE, AXONAL, AUTOSOMAL DOMINANT, TYPE 2C; Charcot-Marie-Tooth Neuropathy Type 2C; Charcot-Marie-Tooth Disease Type 2, TRPV4-Related (CMT2C). Identifiers: Orphanet 99937, MedGen C1853710, MONDO:0011633, OMIM 606071.

Allele frequency attached by ClinVar (database versions not stated): gnomAD 0.00001; TOPMed 0.00002.

Submission:

Labcorp Genetics (formerly Invitae), Labcorp
Classification: Uncertain significance for Charcot-Marie-Tooth disease axonal type 2C. Last evaluated: 2019-10-24. Review status: criteria provided, single submitter. Criteria: Invitae Variant Classification Sherloc (09022015). Collection method: clinical testing. Allele origin: germline.
Comment: This sequence change replaces glycine with serine at codon 723 of the TRPV4 protein (p.Gly723Ser). The glycine residue is highly conserved and there is a small physicochemical difference between glycine and serine. This variant is not present in population databases (ExAC no frequency). This variant has not been reported in the literature in individuals with TRPV4-related conditions. Algorithms developed to predict the effect of missense changes on protein structure and function are either unavailable or do not agree on the potential impact of this missense change (SIFT: "Tolerated"; PolyPhen-2: "Probably Damaging"; Align-GVGD: "Class C0"). In summary, the available evidence is currently insufficient to determine the role of this variant in disease. Therefore, it has been classified as a Variant of Uncertain Significance.